The following is an entry in ClinVar:

NM_000322.5(PRPH2):c.551A>C (p.Tyr184Ser)

Gene: PRPH2 (peripherin 2; minus strand). Cytogenetic location: 6p21.1.
Variant type: single nucleotide variant.
Coding change: c.551A>C on transcript NM_000322.5 (MANE Select); coding-DNA position 551, A replaced by C.
Protein change: p.Tyr184Ser; replaces tyrosine 184 with serine.
Molecular consequence: missense variant.
Genome position (GRCh38, 1-based): chr6:42,721,784, T>G on the plus strand (A>C on the coding strand, the complement: PRPH2 is on the minus strand). VCF-style: chr6-42721784-T-G. GRCh37 (hg19) VCF-style: chr6-42689522-T-G.
Other names: short protein forms Y184S.
Identifiers: ClinVar variation 98678 (VCV000098678.3), dbSNP rs62645926, ClinGen allele CA226254.
Genomic context (GRCh38, chr6:42,721,784, plus strand): 5'-GCTCTGACCCCAGGACTGGAAGCCACTCACTCTTTGACTTCTTTGGAGGAAAAGTCCAGG[T>G]AGCGATTGCTGATCCACTGAATCTCAAACCAGTCCCGAAAACCGTTGTTGCCGCAGCATT-3'
Protein context (NP_000313.2, residues 174-194): WFEIQWISNR[Tyr184Ser]LDFSSKEVKD

ClinVar aggregate classification (germline): Uncertain significance. Review status: criteria provided, single submitter (1 of 4 stars). 3 submissions from 3 submitters: Uncertain significance (1). 2 of the submissions do not count toward it. Last evaluated 2023-10-01.

Conditions:
Retinal dystrophy. Also called: Inherited retinal dystrophy. Identifiers: Orphanet 71862, MedGen C0854723, MeSH D058499, MONDO:0019118, HP:0000556.

Submissions (3):

Dept Of Ophthalmology, Nagoya University
Classification: Uncertain significance for Retinal dystrophy. Last evaluated: 2023-10-01. Review status: criteria provided, single submitter. Criteria: Submitter's publication. Collection method: research. Allele origin: germline. Affected: yes.

Leiden Open Variation Database
Classification: Likely pathogenic. Last evaluated: 2021-04-06. Review status: no assertion criteria provided. Collection method: curation. Allele origin: germline. Affected: yes. Not counted in ClinVar's aggregate classification.
Comment: Curator: Global Variome, with Curator vacancy. Submitter to LOVD: Manon Peeters.

Retina International
No classification provided. Review status: no classification provided. Collection method: not provided. Allele origin: not provided. Not counted in ClinVar's aggregate classification.

Literature cited by the submitters: PubMed 8540854 (cited by Leiden Open Variation Database).